The following is an entry in ClinVar:

NM_000179.3(MSH6):c.2337T>A (p.Cys779Ter)

Gene: MSH6 (mutS homolog 6; plus strand). Cytogenetic location: 2p16.3.
Variant type: single nucleotide variant.
Coding change: c.2337T>A on transcript NM_000179.3 (MANE Select); coding-DNA position 2337, T replaced by A.
Protein change: p.Cys779Ter; replaces cysteine 779 with a stop codon.
Molecular consequence: nonsense.
Genome position (GRCh38, 1-based): chr2:47,800,320, T>A. VCF-style: chr2-47800320-T-A. GRCh37 (hg19) VCF-style: chr2-48027459-T-A.
Other names: c.1947T>A, p.Cys649Ter (NM_001281492.2); c.1431T>A, p.Cys477Ter (NM_001281493.2, NM_001281494.2); c.2337T>A (NM_000179.2); short protein forms C649*, C779*, C477*.
Identifiers: ClinVar variation 1454387 (VCV001454387.9), dbSNP rs1553413707, ClinGen allele CA346753406.

ClinVar aggregate classification (germline): Pathogenic. Review status: criteria provided, multiple submitters, no conflicts (2 of 4 stars). 3 submissions from 3 submitters: Pathogenic (3). Last evaluated 2023-08-17.

Conditions:
Lynch syndrome 5 (LYNCH5). Also called: Colorectal cancer, hereditary nonpolyposis, type 5; Hereditary non-polyposis colorectal cancer, type 5. Identifiers: Orphanet 144, MedGen C1833477, MONDO:0013710, OMIM 614350. Disease mechanism: loss of function.
Hereditary nonpolyposis colorectal neoplasms. Identifiers: MedGen C0009405, MeSH D003123.
Hereditary cancer-predisposing syndrome. Also called: Tumor predisposition; Neoplastic Syndromes, Hereditary; Hereditary Cancer Syndrome; Hereditary neoplastic syndrome. Identifiers: Orphanet 140162, MedGen C0027672, MeSH D009386, MONDO:0015356.

gnomAD v4.1: 1 of 1,614,170 alleles (0.000062%); highest among the groups gnomAD compares: Non-Finnish European, 0.000085%; no homozygotes.

Submissions (3):

Myriad Genetics, Inc.
Classification: Pathogenic for Lynch syndrome 5. Last evaluated: 2023-08-17. Review status: criteria provided, single submitter. Criteria: Myriad Autosomal Dominant, Autosomal Recessive and X-Linked Classification Criteria (2023). Collection method: clinical testing. Allele origin: unknown.
Comment: This variant is considered pathogenic. This variant creates a termination codon and is predicted to result in premature protein truncation.

Ambry Genetics
Classification: Pathogenic for Hereditary cancer-predisposing syndrome. Last evaluated: 2023-07-26. Review status: criteria provided, single submitter. Criteria: Ambry Variant Classification Scheme 2023. Collection method: clinical testing. Allele origin: germline.
Comment: The p.C779* pathogenic mutation (also known as c.2337T>A), located in coding exon 4 of the MSH6 gene, results from a T to A substitution at nucleotide position 2337. This changes the amino acid from a cysteine to a stop codon within coding exon 4. This variant is considered to be rare based on population cohorts in the Genome Aggregation Database (gnomAD). This alteration is expected to result in loss of function by premature protein truncation or nonsense-mediated mRNA decay. As such, this alteration is interpreted as a disease-causing mutation.

Labcorp Genetics (formerly Invitae), Labcorp
Classification: Pathogenic for Hereditary nonpolyposis colorectal neoplasms. Last evaluated: 2021-07-15. Review status: criteria provided, single submitter. Criteria: Invitae Variant Classification Sherloc (09022015). Collection method: clinical testing. Allele origin: germline.
Comment: This sequence change creates a premature translational stop signal (p.Cys779*) in the MSH6 gene. It is expected to result in an absent or disrupted protein product. Loss-of-function variants in MSH6 are known to be pathogenic (PMID: 18269114, 24362816). This variant is not present in population databases (ExAC no frequency). This variant has not been reported in the literature in individuals affected with MSH6-related conditions. For these reasons, this variant has been classified as Pathogenic.

Literature cited by the submitters: PubMed 18269114 (cited by Labcorp Genetics (formerly Invitae), Labcorp); PubMed 24362816 (cited by Labcorp Genetics (formerly Invitae), Labcorp).